The following is an entry in ClinVar:

NM_000498.3(CYP11B2):c.1150C>T (p.Arg384Ter)

Genes: CYP11B2 (cytochrome P450 family 11 subfamily B member 2; minus strand), LOC106799834 (CYP11B2 recombination region; plus strand). Cytogenetic location: 8q24.3.
Variant type: single nucleotide variant.
Coding change: c.1150C>T on transcript NM_000498.3 (MANE Select); coding-DNA position 1150, C replaced by T.
Protein change: p.Arg384Ter; replaces arginine 384 with a stop codon.
Molecular consequence: nonsense.
Genome position (GRCh38, 1-based): chr8:142,912,857, G>A on the plus strand (C>T on the coding strand, the complement: CYP11B2 is on the minus strand). VCF-style: chr8-142912857-G-A. GRCh37 (hg19) VCF-style: chr8-143994273-G-A.
Other names: short protein forms R384*.
Identifiers: ClinVar variation 847011 (VCV000847011.10), dbSNP rs752975169, ClinGen allele CA4905909.

ClinVar aggregate classification (germline): Pathogenic. Review status: criteria provided, multiple submitters, no conflicts (2 of 4 stars). 2 submissions from 2 submitters: Pathogenic (2). Last evaluated 2025-04-30.

Conditions:
Corticosterone methyl oxidase type II deficiency.

Allele frequency attached by ClinVar (database versions not stated): ExAC 0.00001.
gnomAD v4.1: 11 of 1,613,614 alleles (0.00068%); highest among the groups gnomAD compares: Admixed American, 0.0017%; no homozygotes.

Submissions (2):

Natera, Inc.
Classification: Pathogenic for Corticosterone methyl oxidase type II deficiency. Last evaluated: 2025-04-30. Review status: criteria provided, single submitter. Criteria: Natera Variant Classification Schema (03/2026). Collection method: clinical testing. Allele origin: germline.
Comment: The c.1150C>T variant in CYP11B2 is a nonsense variant predicted to introduce a stop codon at amino acid 384. This variant is expected to result in nonsense mediated decay, truncation, or a dysfunctional protein product. This variant is rare in the general population with a frequency below the threshold expected for the associated phenotype(s). This variant has been observed in one or more individuals affected with the associated recessive disease, as either homozygous or compound heterozygous with a second variant (PMID: 23018980). Given the available evidence, this variant is classified as Pathogenic.

Labcorp Genetics (formerly Invitae), Labcorp
Classification: Pathogenic. Last evaluated: 2025-03-09. Review status: criteria provided, single submitter. Criteria: Invitae Variant Classification Sherloc (09022015). Collection method: clinical testing. Allele origin: germline.
Comment: This sequence change creates a premature translational stop signal (p.Arg384*) in the CYP11B2 gene. It is expected to result in an absent or disrupted protein product. Loss-of-function variants in CYP11B2 are known to be pathogenic (PMID: 20494601, 22801770, 26936515). This variant is present in population databases (rs752975169, gnomAD 0.003%). This premature translational stop signal has been observed in individual(s) with aldosterone deficiency type I (PMID: 23018980). In at least one individual the data is consistent with being in trans (on the opposite chromosome) from a pathogenic variant. ClinVar contains an entry for this variant (Variation ID: 847011). Algorithms developed to predict the effect of sequence changes on RNA splicing suggest that this variant may disrupt the consensus splice site. For these reasons, this variant has been classified as Pathogenic.

Literature cited by the submitters: PubMed 23018980 (cited by Natera, Inc. and Labcorp Genetics (formerly Invitae), Labcorp); PubMed 20494601 (cited by Labcorp Genetics (formerly Invitae), Labcorp); PubMed 22801770 (cited by Labcorp Genetics (formerly Invitae), Labcorp); PubMed 26936515 (cited by Labcorp Genetics (formerly Invitae), Labcorp).